The following is an entry in ClinVar:

ClinVar aggregate classification (germline): Pathogenic (1 of 4 stars; one submission).

Conditions:
Cone-rod dystrophy 2 (CORD2). Also called: CONE-ROD RETINAL DYSTROPHY; Cone-rod retinal dystrophy 2. Identifiers: Orphanet 1872, MedGen C3489532, MONDO:0007362, OMIM 120970.
Leber congenital amaurosis 7 (LCA7). Identifiers: Orphanet 65, MedGen C3151192, MONDO:0013449, OMIM 613829.

Submission:

Labcorp Genetics (formerly Invitae), Labcorp
Classification: Pathogenic for Cone-rod dystrophy 2; Leber congenital amaurosis 7. Last evaluated: 2024-04-17. Review status: criteria provided, single submitter. Criteria: Invitae Variant Classification Sherloc (09022015). Collection method: clinical testing. Allele origin: germline.
Comment: This sequence change creates a premature translational stop signal (p.Tyr142*) in the CRX gene. While this is not anticipated to result in nonsense mediated decay, it is expected to disrupt the last 158 amino acid(s) of the CRX protein. This variant is not present in population databases (gnomAD no frequency). This variant has not been reported in the literature in individuals affected with CRX-related conditions. ClinVar contains an entry for this variant (Variation ID: 1037927). This variant disrupts a region of the CRX protein in which other variant(s) (p.Tyr258*) have been determined to be pathogenic (PMID: 22968130, 25270190). This suggests that this is a clinically significant region of the protein, and that variants that disrupt it are likely to be disease-causing. For these reasons, this variant has been classified as Pathogenic.

Literature cited by the submitters: PubMed 22968130; PubMed 25270190.

NM_000554.6(CRX):c.426C>A (p.Tyr142Ter)

Gene: CRX (cone-rod homeobox; plus strand). Cytogenetic location: 19q13.33.
Variant type: single nucleotide variant.
Coding change: c.426C>A on transcript NM_000554.6 (MANE Select); coding-DNA position 426, C replaced by A.
Protein change: p.Tyr142Ter; replaces tyrosine 142 with a stop codon.
Molecular consequence: nonsense.
Genome position (GRCh38, 1-based): chr19:47,839,493, C>A. VCF-style: chr19-47839493-C-A. GRCh37 (hg19) VCF-style: chr19-48342750-C-A.
Other names: short protein forms Y142*.
Identifiers: ClinVar variation 1037927 (VCV001037927.6), dbSNP rs1968164899, ClinGen allele CA406630627.